The following is an entry in ClinVar:

NM_016239.4(MYO15A):c.1168G>T (p.Glu390Ter)

Gene: MYO15A (myosin XVA; plus strand). Cytogenetic location: 17p11.2.
Variant type: single nucleotide variant.
Coding change: c.1168G>T on transcript NM_016239.4 (MANE Select); coding-DNA position 1168, G replaced by T.
Protein change: p.Glu390Ter; replaces glutamic acid 390 with a stop codon.
Molecular consequence: nonsense.
Genome position (GRCh38, 1-based): chr17:18,119,968, G>T. VCF-style: chr17-18119968-G-T. GRCh37 (hg19) VCF-style: chr17-18023282-G-T.
Other names: short protein forms E390*.
Identifiers: ClinVar variation 1380946 (VCV001380946.6), dbSNP rs762537238, ClinGen allele CA398577355.
Genomic context (GRCh38, chr17:18,119,968, plus strand): 5'-GATCCCTACGGAGTCCACTACACCGTCCCCTATGCCGAAGGCGTCTATGGCGGTGGGGAC[G>T]AGGCCATCTACCCCCCCGAGGTGCCCTATTTTTACCCGGAGGAGTCGGCTTCGGCCTTTG-3'

ClinVar aggregate classification (germline): Pathogenic (1 of 4 stars; one submission).

Submission:

Labcorp Genetics (formerly Invitae), Labcorp
Classification: Pathogenic. Last evaluated: 2024-04-15. Review status: criteria provided, single submitter. Criteria: Invitae Variant Classification Sherloc (09022015). Collection method: clinical testing. Allele origin: germline.
Comment: This sequence change creates a premature translational stop signal (p.Glu390*) in the MYO15A gene. It is expected to result in an absent or disrupted protein product. Loss-of-function variants in MYO15A are known to be pathogenic (PMID: 17546645). This variant is not present in population databases (gnomAD no frequency). This variant has not been reported in the literature in individuals affected with MYO15A-related conditions. ClinVar contains an entry for this variant (Variation ID: 1380946). For these reasons, this variant has been classified as Pathogenic.

Literature cited by the submitters: PubMed 17546645.